The following is an entry in ClinVar:

ClinVar aggregate classification (germline): Benign (1 of 4 stars; one submission).

Conditions:
46,XY sex reversal 7. Also called: 46,XY SEX REVERSAL, PARTIAL OR COMPLETE, DHH-RELATED; 46,XY GONADAL DYSGENESIS, PARTIAL OR COMPLETE, DHH-RELATED; DHH-Related 46,XY complete gonadal dysgenesis; GONADAL DYSGENESIS, XY, MALE-LIMITED. Identifiers: Orphanet 242, MedGen C1856273, MONDO:0009301, OMIM 233420.

Allele frequency attached by ClinVar (database versions not stated): gnomAD exomes 0.00184; ExAC 0.00231; gnomAD 0.00881 and 0.00944; ESP Exome Variant Server 0.00909; 1000 Genomes Project 30x 0.00937; TOPMed 0.00954; 1000 Genomes Project 0.00998.
gnomAD v4.1: 2,614 of 1,550,674 alleles (0.17%); highest among the groups gnomAD compares: African/African-American, 3.1%; 43 homozygotes.

Submission:

Illumina Laboratory Services, Illumina
Classification: Benign for 46,XY gonadal dysgenesis, complete, dhh-related. Last evaluated: 2018-01-13. Review status: criteria provided, single submitter. Criteria: ICSL Variant Classification Criteria 13 December 2019. Collection method: clinical testing. Allele origin: germline.
Comment: This variant was observed in the ICSL laboratory as part of a predisposition screen in an ostensibly healthy population. It had not been previously curated by ICSL or reported in the Human Gene Mutation Database (HGMD: prior to June 1st, 2018), and was therefore a candidate for classification through an automated scoring system. Utilizing variant allele frequency, disease prevalence and penetrance estimates, and inheritance mode, an automated score was calculated to assess if this variant is too frequent to cause the disease. Based on the score and internal cut-off values, a variant classified as benign is not then subjected to further curation. The score for this variant resulted in a classification of benign for this disease.

NM_021044.4(DHH):c.-18C>T

Genes: DHH (desert hedgehog signaling molecule; minus strand), DHH-AS1 (DHH antisense RNA 1; plus strand). Cytogenetic location: 12q13.12.
Variant type: single nucleotide variant.
Coding change: c.-18C>T on transcript NM_021044.4 (MANE Select); 18 bases upstream of the start codon, C replaced by T.
Molecular consequence: 5 prime UTR variant.
Genome position (GRCh38, 1-based): chr12:49,094,530, G>A on the plus strand (C>T on the coding strand, the complement: DHH is on the minus strand). VCF-style: chr12-49094530-G-A. GRCh37 (hg19) VCF-style: chr12-49488313-G-A.
Identifiers: ClinVar variation 309106 (VCV000309106.5), dbSNP rs112818602, ClinGen allele CA6549276.